The following is an entry in ClinVar:

ClinVar aggregate classification (germline): Pathogenic (1 of 4 stars; one submission).

gnomAD v4.1: 1 of 1,613,926 alleles (0.000062%); highest among the groups gnomAD compares: Non-Finnish European, 0.000085%; no homozygotes.

Submission:

Labcorp Genetics (formerly Invitae), Labcorp
Classification: Pathogenic. Last evaluated: 2025-02-26. Review status: criteria provided, single submitter. Criteria: Invitae Variant Classification Sherloc (09022015). Collection method: clinical testing. Allele origin: germline.
Comment: This sequence change creates a premature translational stop signal (p.Arg750*) in the CAD gene. It is expected to result in an absent or disrupted protein product. Loss-of-function variants in CAD are known to be pathogenic (PMID: 28007989, 32117025, 32820246, 33497533). This variant is present in population databases (no rsID available, gnomAD 0.007%). This variant has not been reported in the literature in individuals affected with CAD-related conditions. Algorithms developed to predict the effect of sequence changes on RNA splicing suggest that this variant may disrupt the consensus splice site. For these reasons, this variant has been classified as Pathogenic.

Literature cited by the submitters: PubMed 28007989; PubMed 32117025; PubMed 32820246; PubMed 33497533.

NM_004341.5(CAD):c.2248C>T (p.Arg750Ter)

Gene: CAD (carbamoyl-phosphate synthetase 2, aspartate transcarbamylase, and dihydroorotase; plus strand). Cytogenetic location: 2p23.3.
Variant type: single nucleotide variant.
Coding change: c.2248C>T on transcript NM_004341.5 (MANE Select); coding-DNA position 2248, C replaced by T.
Protein change: p.Arg750Ter; replaces arginine 750 with a stop codon.
Molecular consequence: nonsense.
Genome position (GRCh38, 1-based): chr2:27,226,923, C>T. VCF-style: chr2-27226923-C-T. GRCh37 (hg19) VCF-style: chr2-27449791-C-T.
Other names: c.2059C>T, p.Arg687Ter (NM_001306079.2); short protein forms R750*, R687*.
Identifiers: ClinVar variation 3676855 (VCV003676855.2).